The following is an entry in ClinVar:

ClinVar aggregate classification (germline): Benign. Review status: criteria provided, multiple submitters, no conflicts (2 of 4 stars). 2 submissions from 2 submitters: Benign (2). Last evaluated 2018-06-19.

Allele frequency attached by ClinVar (database versions not stated): gnomAD 0.07764 and 0.08088; TOPMed 0.09454; 1000 Genomes Project 0.15016; 1000 Genomes Project 30x 0.15194.
gnomAD v4.1: 12,227 of 152,296 alleles (8%); highest among the groups gnomAD compares: East Asian, 31%; 815 homozygotes.

Submissions (2):

GeneDx
Classification: Benign. Last evaluated: 2018-06-19. Review status: criteria provided, single submitter. Criteria: GeneDx Variant Classification (06012015). Collection method: clinical testing. Allele origin: germline. Affected: yes.
Comment: This variant is considered likely benign or benign based on one or more of the following criteria: it is a conservative change, it occurs at a poorly conserved position in the protein, it is predicted to be benign by multiple in silico algorithms, and/or has population frequency not consistent with disease.

Breakthrough Genomics
Classification: Benign. Review status: criteria provided, single submitter. Criteria: ACMG Guidelines, 2015. Collection method: not provided. Allele origin: germline. Inheritance: Autosomal dominant inheritance. Affected: yes.

NM_001458.5(FLNC):c.7251+194G>T

Genes: FLNC (filamin C; plus strand), FLNC-AS1 (FLNC antisense RNA 1; minus strand). Cytogenetic location: 7q32.1.
Variant type: single nucleotide variant.
Coding change: c.7251+194G>T on transcript NM_001458.5 (MANE Select); 194 bases into the intron after coding-DNA position 7251, G replaced by T.
Molecular consequence: intron variant.
Genome position (GRCh38, 1-based): chr7:128,855,508, G>T. VCF-style: chr7-128855508-G-T. GRCh37 (hg19) VCF-style: chr7-128495562-G-T.
Other names: c.7152+194G>T (NM_001127487.2).
Identifiers: ClinVar variation 670520 (VCV000670520.2), dbSNP rs3778759, ClinGen allele CA166193701.